The following is an entry in ClinVar:

NM_000051.4(ATM):c.2941C>G (p.Arg981Gly)

Gene: ATM (ATM serine/threonine kinase; plus strand). Cytogenetic location: 11q22.3.
Variant type: single nucleotide variant.
Coding change: c.2941C>G on transcript NM_000051.4 (MANE Select); coding-DNA position 2941, C replaced by G.
Protein change: p.Arg981Gly; replaces arginine 981 with glycine.
Molecular consequence: missense variant.
Genome position (GRCh38, 1-based): chr11:108,271,270, C>G. VCF-style: chr11-108271270-C-G. GRCh37 (hg19) VCF-style: chr11-108141997-C-G.
Other names: c.2941C>G, p.Arg981Gly (NM_001351834.2); short protein forms R981G.
Identifiers: ClinVar variation 955940 (VCV000955940.9), dbSNP rs587780619, ClinGen allele CA382547147.

ClinVar aggregate classification (germline): Uncertain significance (1 of 4 stars; one submission).

Conditions:
Ataxia-telangiectasia syndrome (AT). Also called: LOUIS-BAR SYNDROME; Ataxia telangiectasia (A-T); Cerebello-oculocutaneous telangiectasia; Immunodeficiency with ataxia telangiectasia; ATAXIA-TELANGIECTASIA, COMPLEMENTATION GROUP A; ATAXIA-TELANGIECTASIA, FRESNO VARIANT. Identifiers: Orphanet 100, MedGen C0004135, MONDO:0008840, OMIM 208900.

Submission:

Labcorp Genetics (formerly Invitae), Labcorp
Classification: Uncertain significance for Ataxia-telangiectasia syndrome. Last evaluated: 2019-08-24. Review status: criteria provided, single submitter. Criteria: Invitae Variant Classification Sherloc (09022015). Collection method: clinical testing. Allele origin: germline.
Comment: In summary, the available evidence is currently insufficient to determine the role of this variant in disease. Therefore, it has been classified as a Variant of Uncertain Significance. Algorithms developed to predict the effect of missense changes on protein structure and function (SIFT, PolyPhen-2, Align-GVGD) all suggest that this variant is likely to be disruptive, but these predictions have not been confirmed by published functional studies and their clinical significance is uncertain. This variant is not present in population databases (ExAC no frequency). This sequence change replaces arginine with glycine at codon 981 of the ATM protein (p.Arg981Gly). The arginine residue is highly conserved and there is a moderate physicochemical difference between arginine and glycine. This variant has not been reported in the literature in individuals with ATM-related conditions.